The following is an entry in ClinVar:

ClinVar aggregate classification (germline): Uncertain significance (1 of 4 stars; one submission).

Conditions:
Stormorken syndrome (STRMK). Also called: THROMBOCYTOPATHY, ASPLENIA, AND MIOSIS. Identifiers: Orphanet 3204, MedGen C1861451, MONDO:0008497, OMIM 185070.
Combined immunodeficiency due to STIM1 deficiency. Also called: IMMUNODEFICIENCY 10; STIM1 DEFICIENCY. Identifiers: Orphanet 169090, Orphanet 317430, MedGen C2748557, MONDO:0013008, OMIM 612783.
Myopathy with tubular aggregates (TAM). Also called: Tubular Aggregate Myopathy. Identifiers: Orphanet 2593, MedGen C0410207, MONDO:0008051.

Allele frequency attached by ClinVar (database versions not stated): gnomAD exomes below 0.00001; TOPMed below 0.00001; ExAC 0.00002.
gnomAD v4.1: 1 of 1,614,062 alleles (0.000062%); highest among the groups gnomAD compares: Non-Finnish European, 0.000085%; no homozygotes.

Submission:

Labcorp Genetics (formerly Invitae), Labcorp
Classification: Uncertain significance for Myopathy with tubular aggregates; Combined immunodeficiency due to STIM1 deficiency; Stormorken syndrome. Last evaluated: 2026-01-25. Review status: criteria provided, single submitter. Criteria: Invitae Variant Classification Sherloc (09022015). Collection method: clinical testing. Allele origin: germline.
Comment: This sequence change replaces glycine, which is neutral and non-polar, with serine, which is neutral and polar, at codon 659 of the STIM1 protein (p.Gly659Ser). This variant is present in population databases (rs776698533, gnomAD 0.002%). This variant has not been reported in the literature in individuals affected with STIM1-related conditions. ClinVar contains an entry for this variant (Variation ID: 1937399). Invitae Evidence Modeling of protein sequence and biophysical properties (such as structural, functional, and spatial information, amino acid conservation, physicochemical variation, residue mobility, and thermodynamic stability) has been performed for this missense variant. However, the output from this modeling did not meet the statistical confidence thresholds required to predict the impact of this variant on STIM1 protein function. In summary, the available evidence is currently insufficient to determine the role of this variant in disease. Therefore, it has been classified as a Variant of Uncertain Significance.

NM_001382567.1(STIM1):c.2068G>A (p.Gly690Ser)

Genes: STIM1 (stromal interaction molecule 1; plus strand), LOC124418421 (Sharpr-MPRA regulatory region 9588; plus strand). Cytogenetic location: 11p15.4.
Variant type: single nucleotide variant.
Coding change: c.2068G>A on transcript NM_001382567.1 (MANE Select); coding-DNA position 2068, G replaced by A.
Protein change: p.Gly690Ser; replaces glycine 690 with serine.
Molecular consequence: missense variant. On other transcripts: 3 prime UTR variant (4), non-coding transcript variant (3).
Genome position (GRCh38, 1-based): chr11:4,091,715, G>A. VCF-style: chr11-4091715-G-A. GRCh37 (hg19) VCF-style: chr11-4112945-G-A.
Other names: c.2293G>A, p.Gly765Ser (NM_001277961.3); c.*389G>A (NM_001277962.2, NM_001382578.1, NM_001382579.1 and 1 more transcripts); c.2071G>A, p.Gly691Ser (NM_001382566.1); c.1996G>A, p.Gly666Ser (NM_001382568.1); c.1840G>A, p.Gly614Ser (NM_001382569.1); c.1747G>A, p.Gly583Ser (NM_001382570.1); c.1495G>A, p.Gly499Ser (NM_001382571.1); c.1753G>A, p.Gly585Ser (NM_001382575.1, NM_001382576.1, NM_001382577.1); and 2 more; short protein forms G499S, G583S, G666S, G690S, G765S, G585S, G614S, G659S.
Identifiers: ClinVar variation 1937399 (VCV001937399.5), dbSNP rs776698533, ClinGen allele CA5830658.
Genomic context (GRCh38, chr11:4,091,715, plus strand): 5'-AGCCGAAACACACGCATTCCCCACCTGGCTGGCAAGAAGGCTGTGGCTGAGGAGGATAAT[G>A]GCTCTATTGGCGAGGAAACAGACTCCAGCCCAGGCCGGAAGAAGTTTCCCCTCAAAATCT-3'
Protein context (NP_001369496.1, residues 680-700): GKKAVAEEDN[Gly690Ser]SIGEETDSSP